The following is an entry in ClinVar:

NM_005321.3(H1-4):c.529A>C (p.Lys177Gln)

Gene: H1-4 (H1.4 linker histone, cluster member; plus strand). Cytogenetic location: 6p22.2.
Variant type: single nucleotide variant.
Coding change: c.529A>C on transcript NM_005321.3 (MANE Select); coding-DNA position 529, A replaced by C.
Protein change: p.Lys177Gln; replaces lysine 177 with glutamine.
Molecular consequence: missense variant.
Genome position (GRCh38, 1-based): chr6:26,156,919, A>C. VCF-style: chr6-26156919-A-C. GRCh37 (hg19) VCF-style: chr6-26157147-A-C.
Other names: short protein forms K177Q.
Identifiers: ClinVar variation 3390275 (VCV003390275.14).

ClinVar aggregate classification (germline): Uncertain significance (1 of 4 stars; one submission).

gnomAD v4.1: 1 of 1,611,358 alleles (0.000062%); highest among the groups gnomAD compares: South Asian, 0.0011%; no homozygotes.

Submission:

CeGaT Center for Human Genetics Tuebingen
Classification: Uncertain significance. Last evaluated: 2024-11-01. Review status: criteria provided, single submitter. Criteria: CeGaT Center For Human Genetics Tuebingen Variant Classification Criteria Version 2. Collection method: clinical testing. Allele origin: germline. Affected: yes. Observed: 1 variant allele.
Comment: H1-4: PM2, BP4